The following is an entry in ClinVar:

NM_001351132.2(PEX5):c.*960C>G

Gene: PEX5 (peroxisomal biogenesis factor 5; plus strand). Cytogenetic location: 12p13.31.
Variant type: single nucleotide variant.
Coding change: c.*960C>G on transcript NM_001351132.2 (MANE Select); 960 bases downstream of the stop codon, C replaced by G.
Molecular consequence: 3 prime UTR variant. On other transcripts: intron variant (2).
Genome position (GRCh38, 1-based): chr12:7,211,183, C>G. VCF-style: chr12-7211183-C-G. GRCh37 (hg19) VCF-style: chr12-7363779-C-G.
Other names: c.*960C>G (NM_000319.5, NM_001131023.2, NM_001131024.2 and 20 more transcripts); c.*19+941C>G (NM_001131026.2, NM_001374646.1).
Identifiers: ClinVar variation 310455 (VCV000310455.5), dbSNP rs78134587, ClinGen allele CA10633569.

ClinVar aggregate classification (germline): Benign (1 of 4 stars; one submission).

Conditions:
Peroxisome biogenesis disorder 2A (Zellweger) (PBD2A). Also called: Cerebrohepatorenal syndrome, variant types. Identifiers: Orphanet 912, MedGen C3550273, MONDO:0008954, OMIM 214110.

Allele frequency attached by ClinVar (database versions not stated): gnomAD 0.00961 and 0.01032; TOPMed 0.01138; 1000 Genomes Project 0.01258; 1000 Genomes Project 30x 0.01265.

Submission:

Illumina Laboratory Services, Illumina
Classification: Benign for Peroxisome biogenesis disorder 2A (Zellweger). Last evaluated: 2018-01-12. Review status: criteria provided, single submitter. Criteria: ICSL Variant Classification Criteria 13 December 2019. Collection method: clinical testing. Allele origin: germline.
Comment: This variant was observed in the ICSL laboratory as part of a predisposition screen in an ostensibly healthy population. It had not been previously curated by ICSL or reported in the Human Gene Mutation Database (HGMD: prior to June 1st, 2018), and was therefore a candidate for classification through an automated scoring system. Utilizing variant allele frequency, disease prevalence and penetrance estimates, and inheritance mode, an automated score was calculated to assess if this variant is too frequent to cause the disease. Based on the score and internal cut-off values, a variant classified as benign is not then subjected to further curation. The score for this variant resulted in a classification of benign for this disease.